The following is an entry in ClinVar:

ClinVar aggregate classification (germline): Uncertain significance (1 of 4 stars; one submission).

Allele frequency attached by ClinVar (database versions not stated): TOPMed 0.00001.

Submission:

Labcorp Genetics (formerly Invitae), Labcorp
Classification: Uncertain significance. Last evaluated: 2022-04-22. Review status: criteria provided, single submitter. Criteria: Invitae Variant Classification Sherloc (09022015). Collection method: clinical testing. Allele origin: germline.
Comment: In summary, the available evidence is currently insufficient to determine the role of this variant in disease. Therefore, it has been classified as a Variant of Uncertain Significance. Algorithms developed to predict the effect of missense changes on protein structure and function are either unavailable or do not agree on the potential impact of this missense change (SIFT: "Not Available"; PolyPhen-2: "Probably Damaging"; Align-GVGD: "Not Available"). This variant has not been reported in the literature in individuals affected with ADCY3-related conditions. This variant is not present in population databases (gnomAD no frequency). This sequence change replaces histidine, which is basic and polar, with tyrosine, which is neutral and polar, at codon 416 of the ADCY3 protein (p.His416Tyr).

NM_004036.5(ADCY3):c.1246C>T (p.His416Tyr)

Gene: ADCY3 (adenylate cyclase 3; minus strand). Cytogenetic location: 2p23.3.
Variant type: single nucleotide variant.
Coding change: c.1246C>T on transcript NM_004036.5 (MANE Select); coding-DNA position 1246, C replaced by T.
Protein change: p.His416Tyr; replaces histidine 416 with tyrosine.
Molecular consequence: missense variant.
Genome position (GRCh38, 1-based): chr2:24,839,982, G>A on the plus strand (C>T on the coding strand, the complement: ADCY3 is on the minus strand). VCF-style: chr2-24839982-G-A. GRCh37 (hg19) VCF-style: chr2-25062851-G-A.
Other names: c.1246C>T, p.His416Tyr (NM_001320613.2, NM_001377128.1, NM_001377129.1 and 2 more transcripts); c.523C>T, p.His175Tyr (NM_001377131.1); short protein forms H175Y, H416Y.
Identifiers: ClinVar variation 2129072 (VCV002129072.4), dbSNP rs1400934850, ClinGen allele CA346063248.